The following is an entry in ClinVar:

ClinVar aggregate classification (germline): Uncertain significance. Review status: criteria provided, multiple submitters, no conflicts (2 of 4 stars). 2 submissions from 2 submitters: Uncertain significance (2). Last evaluated 2021-08-09.

Conditions:
Autosomal recessive limb-girdle muscular dystrophy type 2A (LGMDR1). Also called: Calpainopathy; MUSCULAR DYSTROPHY, PELVOFEMORAL; Limb-girdle muscular dystrophy, type 2A; Muscular dystrophy, limb-girdle, type 2A, Amish; LEYDEN-MOEBIUS MUSCULAR DYSTROPHY. Identifiers: Orphanet 267, MedGen C1869123, MONDO:0009675, OMIM 253600. Disease mechanism: loss of function.

Submissions (2):

Labcorp Genetics (formerly Invitae), Labcorp
Classification: Uncertain significance for Autosomal recessive limb-girdle muscular dystrophy type 2A. Last evaluated: 2021-08-09. Review status: criteria provided, single submitter. Criteria: Invitae Variant Classification Sherloc (09022015). Collection method: clinical testing. Allele origin: germline.
Comment: This missense change has been observed in individual(s) with clinical features of limb-girdle muscular dystrophy (PMID: 30564623). In summary, the available evidence is currently insufficient to determine the role of this variant in disease. Therefore, it has been classified as a Variant of Uncertain Significance. Algorithms developed to predict the effect of missense changes on protein structure and function are either unavailable or do not agree on the potential impact of this missense change (SIFT: "Deleterious"; PolyPhen-2: "Probably Damaging"; Align-GVGD: "Class C0"). ClinVar contains an entry for this variant (Variation ID: 286044). This variant is not present in population databases (ExAC no frequency). This sequence change replaces glycine with aspartic acid at codon 361 of the CAPN3 protein (p.Gly361Asp). The glycine residue is highly conserved and there is a moderate physicochemical difference between glycine and aspartic acid.

Eurofins Ntd Llc (ga)
Classification: Uncertain significance. Last evaluated: 2016-02-02. Review status: criteria provided, single submitter. Criteria: EGL Classification Definitions 2015. Collection method: clinical testing. Allele origin: germline. Observed: 1 variant allele, 1 heterozygote.

Literature cited by the submitters: PubMed 30564623 (cited by Labcorp Genetics (formerly Invitae), Labcorp).

NM_000070.3(CAPN3):c.1082G>A (p.Gly361Asp)

Gene: CAPN3 (calpain 3; plus strand). Cytogenetic location: 15q15.1.
Variant type: single nucleotide variant.
Coding change: c.1082G>A on transcript NM_000070.3 (MANE Select); coding-DNA position 1082, G replaced by A.
Protein change: p.Gly361Asp; replaces glycine 361 with aspartic acid.
Molecular consequence: missense variant.
Genome position (GRCh38, 1-based): chr15:42,394,308, G>A. VCF-style: chr15-42394308-G-A. GRCh37 (hg19) VCF-style: chr15-42686506-G-A.
Other names: c.1082G>A, p.Gly361Asp (NM_024344.2); c.938G>A, p.Gly313Asp (NM_173087.2); short protein forms G361D, G313D.
Identifiers: ClinVar variation 286044 (VCV000286044.10), dbSNP rs886043290, ClinGen allele CA10605341.